The following is an entry in ClinVar:

ClinVar aggregate classification (germline): Uncertain significance (1 of 4 stars; one submission).

Submission:

Labcorp Genetics (formerly Invitae), Labcorp
Classification: Uncertain significance. Last evaluated: 2022-09-23. Review status: criteria provided, single submitter. Criteria: Invitae Variant Classification Sherloc (09022015). Collection method: clinical testing. Allele origin: germline.
Comment: In summary, the available evidence is currently insufficient to determine the role of this variant in disease. Therefore, it has been classified as a Variant of Uncertain Significance. This variant has not been reported in the literature in individuals affected with ADAMTS18-related conditions. This variant is a gross deletion of the genomic region encompassing exon(s) 18-23 of the ADAMTS18 gene, which includes the termination codon. This deletion extends beyond the assayed region for this gene and therefore may encompass additional genes. While this deletion is not anticipated to lead to nonsense mediated decay, it is expected to alter mRNA translation or result in a truncated protein product.

NC_000016.9:g.(?_77317853)_(77331332_?)dup

Gene: ADAMTS18 (ADAM metallopeptidase with thrombospondin type 1 motif 18; minus strand). Cytogenetic location: 16q23.1.
Variant type: Duplication.
Identifiers: ClinVar variation 2427675 (VCV002427675.3).